The following is an entry in ClinVar:

NM_004380.3(CREBBP):c.7213C>G (p.Gln2405Glu)

Gene: CREBBP (CREB binding protein; minus strand). Cytogenetic location: 16p13.3.
Variant type: single nucleotide variant.
Coding change: c.7213C>G on transcript NM_004380.3 (MANE Select); coding-DNA position 7213, C replaced by G.
Protein change: p.Gln2405Glu; replaces glutamine 2405 with glutamic acid.
Molecular consequence: missense variant.
Genome position (GRCh38, 1-based): chr16:3,727,834, G>C on the plus strand (C>G on the coding strand, the complement: CREBBP is on the minus strand). VCF-style: chr16-3727834-G-C. GRCh37 (hg19) VCF-style: chr16-3777835-G-C.
Other names: c.7099C>G, p.Gln2367Glu (NM_001079846.1); short protein forms Q2367E, Q2405E.
Identifiers: ClinVar variation 1315059 (VCV001315059.2), dbSNP rs2151298537, ClinGen allele CA394550295.

ClinVar aggregate classification (germline): Uncertain significance (1 of 4 stars; one submission).

Submission:

GeneDx
Classification: Uncertain significance. Last evaluated: 2020-01-28. Review status: criteria provided, single submitter. Criteria: GeneDx Variant Classification Process June 2021. Collection method: clinical testing. Allele origin: germline. Affected: yes.
Comment: Not observed in large population cohorts (Lek et al., 2016); In silico analysis, which includes protein predictors and evolutionary conservation, supports that this variant does not alter protein structure/function; Has not been previously published as pathogenic or benign to our knowledge